The following is an entry in ClinVar:

NM_000553.6(WRN):c.2177_2178dup (p.Cys727fs)

Gene: WRN (WRN RecQ like helicase; plus strand). Cytogenetic location: 8p12.
Variant type: Duplication.
Coding change: c.2177_2178dup on transcript NM_000553.6 (MANE Select); coding-DNA positions 2177 to 2178, 2 bases duplicated (CC; older notation c.2177_2178dupCC).
Protein change: p.Cys727fs; shifts the reading frame from cysteine 727.
Molecular consequence: frameshift variant.
Genome position (GRCh38, 1-based): chr8:31,111,703-31,111,704, CC duplicated. VCF-style (leftmost placement, unchanged base first): chr8-31111702-A-ACC. GRCh37 (hg19) VCF-style: chr8-30969218-A-ACC.
Other names: short protein forms C727fs.
Identifiers: ClinVar variation 1071823 (VCV001071823.5), dbSNP rs2130283793, ClinGen allele CA2499219252.

ClinVar aggregate classification (germline): Pathogenic (1 of 4 stars; one submission).

Conditions:
Werner syndrome (WRN). Identifiers: Orphanet 902, MedGen C0043119, MONDO:0010196, OMIM 277700.

Submission:

Labcorp Genetics (formerly Invitae), Labcorp
Classification: Pathogenic for Werner syndrome. Last evaluated: 2024-04-05. Review status: criteria provided, single submitter. Criteria: Invitae Variant Classification Sherloc (09022015). Collection method: clinical testing. Allele origin: germline.
Comment: This sequence change creates a premature translational stop signal (p.Cys727Profs*12) in the WRN gene. It is expected to result in an absent or disrupted protein product. Loss-of-function variants in WRN are known to be pathogenic (PMID: 16673358). This variant is not present in population databases (gnomAD no frequency). This variant has not been reported in the literature in individuals affected with WRN-related conditions. ClinVar contains an entry for this variant (Variation ID: 1071823). For these reasons, this variant has been classified as Pathogenic.

Literature cited by the submitters: PubMed 16673358.